The following is an entry in ClinVar:

ClinVar aggregate classification (germline): Uncertain significance. Review status: criteria provided, multiple submitters, no conflicts (2 of 4 stars). 3 submissions from 3 submitters: Uncertain significance (2). 1 of the submissions does not count toward it. Last evaluated 2025-06-23.

Conditions:
Werner syndrome (WRN). Identifiers: Orphanet 902, MedGen C0043119, MONDO:0010196, OMIM 277700.

Allele frequency attached by ClinVar (database versions not stated): gnomAD 0.00019; gnomAD exomes 0.00020 and 0.00011; TOPMed 0.00002; ExAC 0.00010.

Submissions (3):

Labcorp Genetics (formerly Invitae), Labcorp
Classification: Uncertain significance for Werner syndrome. Last evaluated: 2025-06-23. Review status: criteria provided, single submitter. Criteria: Invitae Variant Classification Sherloc (09022015). Collection method: clinical testing. Allele origin: germline.
Comment: This sequence change replaces threonine, which is neutral and polar, with methionine, which is neutral and non-polar, at codon 1244 of the WRN protein (p.Thr1244Met). This variant is present in population databases (rs370299361, gnomAD 0.2%). This variant has not been reported in the literature in individuals affected with WRN-related conditions. ClinVar contains an entry for this variant (Variation ID: 135435). An algorithm developed to predict the effect of missense changes on protein structure and function outputs the following: PolyPhen-2: "Benign". The methionine amino acid residue is found in multiple mammalian species, which suggests that this missense change does not adversely affect protein function. In summary, the available evidence is currently insufficient to determine the role of this variant in disease. Therefore, it has been classified as a Variant of Uncertain Significance.

Illumina Laboratory Services, Illumina
Classification: Uncertain significance for Werner syndrome. Last evaluated: 2018-01-13. Review status: criteria provided, single submitter. Criteria: ICSL Variant Classification Criteria 13 December 2019. Collection method: clinical testing. Allele origin: germline.

ITMI
No classification provided. Condition: AllHighlyPenetrant. Last evaluated: 2013-09-19. Review status: no classification provided. Collection method: reference population. Allele origin: germline. Not counted in ClinVar's aggregate classification.
Comment: Please see associated publication for description of ethnicities

Literature cited by the submitters: PubMed 24728327 (cited by ITMI).

NM_000553.6(WRN):c.3731C>T (p.Thr1244Met)

Gene: WRN (WRN RecQ like helicase; plus strand). Cytogenetic location: 8p12.
Variant type: single nucleotide variant.
Coding change: c.3731C>T on transcript NM_000553.6 (MANE Select); coding-DNA position 3731, C replaced by T.
Protein change: p.Thr1244Met; replaces threonine 1244 with methionine.
Molecular consequence: missense variant.
Genome position (GRCh38, 1-based): chr8:31,154,667, C>T. VCF-style: chr8-31154667-C-T. GRCh37 (hg19) VCF-style: chr8-31012183-C-T.
Other names: short protein forms T1244M.
Identifiers: ClinVar variation 135435 (VCV000135435.13), dbSNP rs370299361, ClinGen allele CA162755.